The following is an entry in ClinVar:

ClinVar aggregate classification (germline): Benign. Review status: criteria provided, multiple submitters, no conflicts (2 of 4 stars). 2 submissions from 2 submitters: Benign (2). Last evaluated 2018-06-14.

Allele frequency attached by ClinVar (database versions not stated): 1000 Genomes Project 30x 0.13648; 1000 Genomes Project 0.13738; TOPMed 0.14206.
gnomAD v4.1: 61,657 of 451,614 alleles (14%); highest among the groups gnomAD compares: Admixed American, 27%; 5,059 homozygotes.

Submissions (2):

GeneDx
Classification: Benign. Last evaluated: 2018-06-14. Review status: criteria provided, single submitter. Criteria: GeneDx Variant Classification (06012015). Collection method: clinical testing. Allele origin: germline. Affected: yes.
Comment: This variant is considered likely benign or benign based on one or more of the following criteria: it is a conservative change, it occurs at a poorly conserved position in the protein, it is predicted to be benign by multiple in silico algorithms, and/or has population frequency not consistent with disease.

Breakthrough Genomics
Classification: Benign. Review status: criteria provided, single submitter. Criteria: ACMG Guidelines, 2015. Collection method: not provided. Allele origin: germline. Inheritance: Autosomal recessive inheritance. Affected: yes.

NM_024537.4(CARS2):c.1317+244A>C

Gene: CARS2 (cysteinyl-tRNA synthetase 2, mitochondrial; minus strand). Cytogenetic location: 13q34.
Variant type: single nucleotide variant.
Coding change: c.1317+244A>C on transcript NM_024537.4 (MANE Select); 244 bases into the intron after coding-DNA position 1317, A replaced by C.
Molecular consequence: intron variant.
Genome position (GRCh38, 1-based): chr13:110,645,723, T>G on the plus strand (A>C on the coding strand, the complement: CARS2 is on the minus strand). VCF-style: chr13-110645723-T-G. GRCh37 (hg19) VCF-style: chr13-111298070-T-G.
Other names: c.531+244A>C (NM_001352252.2).
Identifiers: ClinVar variation 683465 (VCV000683465.2), dbSNP rs4773232, ClinGen allele CA16482183.